The following is an entry in ClinVar:

ClinVar aggregate classification (germline): Uncertain significance (1 of 4 stars; one submission).

Conditions:
Inborn genetic diseases. Identifiers: MedGen C0950123, MeSH D030342.

Submission:

Ambry Genetics
Classification: Uncertain significance for Inborn genetic diseases. Last evaluated: 2025-12-07. Review status: criteria provided, single submitter. Criteria: Ambry Variant Classification Scheme 2023. Collection method: clinical testing. Allele origin: germline.
Comment: The p.H93Q variant (also known as c.279C>A), located in coding exon 3 of the DDX41 gene, results from a C to A substitution at nucleotide position 279. The histidine at codon 93 is replaced by glutamine, an amino acid with highly similar properties. This amino acid position is conserved. In addition, this alteration is predicted to be tolerated by in silico analysis. Based on the available evidence, the clinical significance of this variant remains unclear.

NM_016222.4(DDX41):c.279C>A (p.His93Gln)

Gene: DDX41 (DEAD-box helicase 41; minus strand). Cytogenetic location: 5q35.3.
Variant type: single nucleotide variant.
Coding change: c.279C>A on transcript NM_016222.4 (MANE Select); coding-DNA position 279, C replaced by A.
Protein change: p.His93Gln; replaces histidine 93 with glutamine.
Molecular consequence: missense variant. On other transcripts: 5 prime UTR variant (2).
Genome position (GRCh38, 1-based): chr5:177,516,307, G>T on the plus strand (C>A on the coding strand, the complement: DDX41 is on the minus strand). VCF-style: chr5-177516307-G-T. GRCh37 (hg19) VCF-style: chr5-176943308-G-T.
Other names: c.-100C>A (NM_001321732.2, NM_001321830.2); short protein forms H93Q.
Identifiers: ClinVar variation 4617216 (VCV004617216.1).